The following is an entry in ClinVar:

ClinVar aggregate classification (germline): Conflicting classifications of pathogenicity. Review status: criteria provided, conflicting classifications (1 of 4 stars). 7 submissions from 7 submitters: Uncertain significance (3); Likely benign (3). 1 of the submissions does not count toward it. Last evaluated 2025-06-29.

Conditions:
Hereditary cancer-predisposing syndrome. Also called: Tumor predisposition; Neoplastic Syndromes, Hereditary; Hereditary neoplastic syndrome; Hereditary Cancer Syndrome. Identifiers: Orphanet 140162, MedGen C0027672, MeSH D009386, MONDO:0015356.
Hereditary breast ovarian cancer syndrome. Also called: Hereditary breast and ovarian cancer; BRCA1- and BRCA2-Associated Hereditary Breast and Ovarian Cancer; Hereditary breast and/or ovarian cancer syndrome; Hereditary breast and ovarian cancer syndrome; Breast and ovarian cancer; Hereditary breast and ovarian cancer syndrome (HBOC). Identifiers: Orphanet 145, MedGen C0677776, MeSH D061325, MONDO:0003582. Disease mechanism: loss of function.
Breast-ovarian cancer, familial, susceptibility to, 2 (BROVCA2). Also called: BRCA2 Hereditary Breast and Ovarian Cancer. Identifiers: Orphanet 145, MedGen C2675520, MONDO:0012933, OMIM 612555. Disease mechanism: loss of function.

Allele frequency attached by ClinVar (database versions not stated): gnomAD exomes below 0.00001; ExAC 0.00001.
gnomAD v4.1: 1 of 1,613,862 alleles (0.000062%); highest among the groups gnomAD compares: South Asian, 0.0011%; no homozygotes.

Submissions (7):

Labcorp Genetics (formerly Invitae), Labcorp
Classification: Uncertain significance for Hereditary breast ovarian cancer syndrome. Last evaluated: 2025-06-29. Review status: criteria provided, single submitter. Criteria: Invitae Variant Classification Sherloc (09022015). Collection method: clinical testing. Allele origin: germline.
Comment: This sequence change replaces glutamine, which is neutral and polar, with arginine, which is basic and polar, at codon 2024 of the BRCA2 protein (p.Gln2024Arg). This variant is present in population databases (rs80358845, gnomAD 0.003%). This variant has not been reported in the literature in individuals affected with BRCA2-related conditions. ClinVar contains an entry for this variant (Variation ID: 52001). Invitae Evidence Modeling of protein sequence and biophysical properties (such as structural, functional, and spatial information, amino acid conservation, physicochemical variation, residue mobility, and thermodynamic stability) indicates that this missense variant is not expected to disrupt BRCA2 protein function with a negative predictive value of 95%. In summary, the available evidence is currently insufficient to determine the role of this variant in disease. Therefore, it has been classified as a Variant of Uncertain Significance.

Ambry Genetics
Classification: Likely benign for Hereditary cancer-predisposing syndrome. Last evaluated: 2024-08-30. Review status: criteria provided, single submitter. Criteria: Ambry Variant Classification Scheme 2023. Collection method: clinical testing. Allele origin: germline.

Blueprint Genetics
Classification: Likely benign. Last evaluated: 2024-07-15. Review status: criteria provided, single submitter. Criteria: ACMG Guidelines, 2015. Collection method: clinical testing. Allele origin: germline.

University of Washington Department of Laboratory Medicine, University of Washington
Classification: Likely benign for Hereditary cancer-predisposing syndrome. Last evaluated: 2023-03-23. Review status: criteria provided, single submitter. Criteria: Dines et al. (Genet Med. 2020). Collection method: curation. Allele origin: germline.
Comment: Missense variant in a coldspot region where missense variants are very unlikely to be pathogenic (PMID:31911673).

BRCA2 exon 11 coldspot. Reclassification based on statistical prior probability.

Women's Health and Genetics/Laboratory Corporation of America, LabCorp
Classification: Uncertain significance. Last evaluated: 2022-04-24. Review status: criteria provided, single submitter. Criteria: LabCorp Variant Classification Summary - May 2015. Collection method: clinical testing. Allele origin: germline.

Color Diagnostics, LLC DBA Color Health
Classification: Uncertain significance for Hereditary cancer-predisposing syndrome. Last evaluated: 2019-05-31. Review status: criteria provided, single submitter. Criteria: ACMG Guidelines, 2015. Collection method: clinical testing. Allele origin: germline.

Breast Cancer Information Core (BIC) (BRCA2)
Classification: Uncertain significance for Breast-ovarian cancer, familial 2. Last evaluated: 2003-12-23. Review status: no assertion criteria provided. Collection method: clinical testing. Allele origin: germline. Affected: yes. Observed: 1 variant allele. Not counted in ClinVar's aggregate classification.

NM_000059.4(BRCA2):c.6071A>G (p.Gln2024Arg)

Gene: BRCA2 (BRCA2 DNA repair associated; plus strand). Cytogenetic location: 13q13.1.
Variant type: single nucleotide variant.
Coding change: c.6071A>G on transcript NM_000059.4 (MANE Select); coding-DNA position 6071, A replaced by G.
Protein change: p.Gln2024Arg; replaces glutamine 2024 with arginine.
Molecular consequence: missense variant.
Genome position (GRCh38, 1-based): chr13:32,340,426, A>G. VCF-style: chr13-32340426-A-G. GRCh37 (hg19) VCF-style: chr13-32914563-A-G.
Other names: short protein forms Q2024R.
Identifiers: ClinVar variation 52001 (VCV000052001.14), dbSNP rs80358845, ClinGen allele CA023602.